The following is an entry in ClinVar:

ClinVar aggregate classification (germline): Uncertain significance (1 of 4 stars; one submission).

Conditions:
Developmental and epileptic encephalopathy, 53. Also called: Epileptic encephalopathy, early infantile, 53. Identifiers: MedGen C4479313, MONDO:0033362, OMIM 617389.
Early-onset Parkinson disease 20. Also called: PARKINSON DISEASE 20, AUTOSOMAL RECESSIVE EARLY-ONSET. Identifiers: Orphanet 391411, MedGen C3809824, MONDO:0014233, OMIM 615530.

Allele frequency attached by ClinVar (database versions not stated): gnomAD exomes 0.00001; ExAC 0.00002.

Submission:

Labcorp Genetics (formerly Invitae), Labcorp
Classification: Uncertain significance for Developmental and epileptic encephalopathy, 53; Early-onset Parkinson disease 20. Last evaluated: 2022-02-18. Review status: criteria provided, single submitter. Criteria: Invitae Variant Classification Sherloc (09022015). Collection method: clinical testing. Allele origin: germline.
Comment: This sequence change replaces alanine, which is neutral and non-polar, with threonine, which is neutral and polar, at codon 1600 of the SYNJ1 protein (p.Ala1600Thr). This variant is present in population databases (rs762039918, gnomAD 0.04%). This variant has not been reported in the literature in individuals affected with SYNJ1-related conditions. Algorithms developed to predict the effect of missense changes on protein structure and function (SIFT, PolyPhen-2, Align-GVGD) all suggest that this variant is likely to be tolerated. In summary, the available evidence is currently insufficient to determine the role of this variant in disease. Therefore, it has been classified as a Variant of Uncertain Significance.

NM_203446.3(SYNJ1):c.*769G>A

Gene: SYNJ1 (synaptojanin 1; minus strand). Cytogenetic location: 21q22.11.
Variant type: single nucleotide variant.
Coding change: c.*769G>A on transcript NM_203446.3 (MANE Select); 769 bases downstream of the stop codon, G replaced by A.
Molecular consequence: 3 prime UTR variant. On other transcripts: missense variant (2).
Genome position (GRCh38, 1-based): chr21:32,631,036, C>T on the plus strand (G>A on the coding strand, the complement: SYNJ1 is on the minus strand). VCF-style: chr21-32631036-C-T. GRCh37 (hg19) VCF-style: chr21-34003346-C-T.
Other names: c.*769G>A (NM_001160302.2); c.4540G>A, p.Ala1514Thr (NM_001160306.2); c.4798G>A, p.Ala1600Thr (NM_003895.4); short protein forms A1600T, A1514T.
Identifiers: ClinVar variation 1919622 (VCV001919622.5), dbSNP rs762039918, ClinGen allele CA10003039.